The following is an entry in ClinVar:

NM_005560.6(LAMA5):c.5518G>A (p.Asp1840Asn)

Gene: LAMA5 (laminin subunit alpha 5; minus strand). Cytogenetic location: 20q13.33.
Variant type: single nucleotide variant.
Coding change: c.5518G>A on transcript NM_005560.6 (MANE Select); coding-DNA position 5518, G replaced by A.
Protein change: p.Asp1840Asn; replaces aspartic acid 1840 with asparagine.
Molecular consequence: missense variant.
Genome position (GRCh38, 1-based): chr20:62,325,327, C>T on the plus strand (G>A on the coding strand, the complement: LAMA5 is on the minus strand). VCF-style: chr20-62325327-C-T. GRCh37 (hg19) VCF-style: chr20-60900383-C-T.
Other names: c.5518G>A (NM_005560.3); short protein forms D1840N.
Identifiers: ClinVar variation 1953682 (VCV001953682.6), dbSNP rs777754372, ClinGen allele CA9942180.

ClinVar aggregate classification (germline): Conflicting classifications of pathogenicity. Review status: criteria provided, conflicting classifications (1 of 4 stars). 2 submissions from 2 submitters: Uncertain significance (1); Likely benign (1). Last evaluated 2024-12-18.

Conditions:
Inborn genetic diseases. Identifiers: MedGen C0950123, MeSH D030342.

Allele frequency attached by ClinVar (database versions not stated): TOPMed below 0.00001; ExAC 0.00001.
gnomAD v4.1: 13 of 1,582,706 alleles (0.00082%); highest among the groups gnomAD compares: East Asian, 0.02%; no homozygotes.

Submissions (2):

Ambry Genetics
Classification: Likely benign for Inborn genetic diseases. Last evaluated: 2024-12-18. Review status: criteria provided, single submitter. Criteria: Ambry Variant Classification Scheme 2023. Collection method: clinical testing. Allele origin: germline.

Labcorp Genetics (formerly Invitae), Labcorp
Classification: Uncertain significance. Last evaluated: 2022-05-07. Review status: criteria provided, single submitter. Criteria: Invitae Variant Classification Sherloc (09022015). Collection method: clinical testing. Allele origin: germline.
Comment: In summary, the available evidence is currently insufficient to determine the role of this variant in disease. Therefore, it has been classified as a Variant of Uncertain Significance. Algorithms developed to predict the effect of missense changes on protein structure and function (SIFT, PolyPhen-2, Align-GVGD) all suggest that this variant is likely to be tolerated. This variant has not been reported in the literature in individuals affected with LAMA5-related conditions. This variant is present in population databases (rs777754372, gnomAD 0.03%). This sequence change replaces aspartic acid, which is acidic and polar, with asparagine, which is neutral and polar, at codon 1840 of the LAMA5 protein (p.Asp1840Asn).